The following is an entry in ClinVar:

NM_145290.4(ADGRA3):c.3481C>A (p.Gln1161Lys)

Gene: ADGRA3 (adhesion G protein-coupled receptor A3; minus strand). Cytogenetic location: 4p15.2.
Variant type: single nucleotide variant.
Coding change: c.3481C>A on transcript NM_145290.4 (MANE Select); coding-DNA position 3481, C replaced by A.
Protein change: p.Gln1161Lys; replaces glutamine 1161 with lysine.
Molecular consequence: missense variant.
Genome position (GRCh38, 1-based): chr4:22,388,190, G>T on the plus strand (C>A on the coding strand, the complement: ADGRA3 is on the minus strand). VCF-style: chr4-22388190-G-T. GRCh37 (hg19) VCF-style: chr4-22389813-G-T.
Other names: short protein forms Q1161K.
Identifiers: ClinVar variation 2054195 (VCV002054195.4), dbSNP rs2474686379, ClinGen allele CA356472344.

ClinVar aggregate classification (germline): Uncertain significance (1 of 4 stars; one submission).

Submission:

Labcorp Genetics (formerly Invitae), Labcorp
Classification: Uncertain significance. Last evaluated: 2022-03-19. Review status: criteria provided, single submitter. Criteria: Invitae Variant Classification Sherloc (09022015). Collection method: clinical testing. Allele origin: germline.
Comment: This variant has not been reported in the literature in individuals affected with ADGRA3-related conditions. Algorithms developed to predict the effect of missense changes on protein structure and function (SIFT, PolyPhen-2, Align-GVGD) all suggest that this variant is likely to be tolerated. In summary, the available evidence is currently insufficient to determine the role of this variant in disease. Therefore, it has been classified as a Variant of Uncertain Significance. This variant is not present in population databases (gnomAD no frequency). This sequence change replaces glutamine, which is neutral and polar, with lysine, which is basic and polar, at codon 1161 of the ADGRA3 protein (p.Gln1161Lys).